The following is an entry in ClinVar:

ClinVar aggregate classification (germline): Benign. Review status: criteria provided, multiple submitters, no conflicts (2 of 4 stars). 3 submissions from 3 submitters: Benign (3). Last evaluated 2026-02-02.

Conditions:
Leber congenital amaurosis 12 (LCA12). Identifiers: Orphanet 65, MedGen C1857743, MONDO:0012525, OMIM 610612.

Allele frequency attached by ClinVar (database versions not stated): gnomAD exomes 0.00502; ExAC 0.00615; gnomAD 0.01555 and 0.01632; ESP Exome Variant Server 0.01685; TOPMed 0.01714; 1000 Genomes Project 0.02236; 1000 Genomes Project 30x 0.02545.

Submissions (3):

Labcorp Genetics (formerly Invitae), Labcorp
Classification: Benign for Leber congenital amaurosis 12. Last evaluated: 2026-02-02. Review status: criteria provided, single submitter. Criteria: Invitae Variant Classification Sherloc (09022015). Collection method: clinical testing. Allele origin: germline.

Illumina Laboratory Services, Illumina
Classification: Benign for Leber congenital amaurosis 12. Last evaluated: 2018-06-19. Review status: criteria provided, single submitter. Criteria: ICSL Variant Classification Criteria 13 December 2019. Collection method: clinical testing. Allele origin: germline.
Comment: This variant was observed as part of a predisposition screen in an ostensibly healthy population. A literature search was performed for the gene, cDNA change, and amino acid change (where applicable). Publications were found based on this search. The evidence from the literature, in combination with allele frequency data from public databases where available, was sufficient to rule this variant out of causing disease. Therefore, this variant is classified as benign.

Breakthrough Genomics
Classification: Benign. Review status: criteria provided, single submitter. Criteria: ACMG Guidelines, 2015. Collection method: not provided. Allele origin: germline. Inheritance: Autosomal recessive inheritance. Affected: yes.

Literature cited by the submitters: PubMed 17186464 (cited by Illumina Laboratory Services, Illumina).

NM_001164688.2(RD3):c.500G>A (p.Arg167Lys)

Gene: RD3 (RD3 regulator of GUCY2D; minus strand). Cytogenetic location: 1q32.3.
Variant type: single nucleotide variant.
Coding change: c.500G>A on transcript NM_001164688.2 (MANE Select); coding-DNA position 500, G replaced by A.
Protein change: p.Arg167Lys; replaces arginine 167 with lysine.
Molecular consequence: missense variant.
Genome position (GRCh38, 1-based): chr1:211,479,124, C>T on the plus strand (G>A on the coding strand, the complement: RD3 is on the minus strand). VCF-style: chr1-211479124-C-T. GRCh37 (hg19) VCF-style: chr1-211652466-C-T.
Other names: c.500G>A, p.Arg167Lys (NM_183059.3); short protein forms R167K.
Identifiers: ClinVar variation 707391 (VCV000707391.15), dbSNP rs74782684, ClinGen allele CA1381054.